The following is an entry in ClinVar:

ClinVar aggregate classification (germline): Uncertain significance (1 of 4 stars; one submission).

Submission:

Labcorp Genetics (formerly Invitae), Labcorp
Classification: Uncertain significance. Last evaluated: 2023-12-09. Review status: criteria provided, single submitter. Criteria: Invitae Variant Classification Sherloc (09022015). Collection method: clinical testing. Allele origin: germline.
Comment: This sequence change replaces proline, which is neutral and non-polar, with serine, which is neutral and polar, at codon 112 of the TRPC6 protein (p.Pro112Ser). This variant is not present in population databases (gnomAD no frequency). This variant has not been reported in the literature in individuals affected with TRPC6-related conditions. Advanced modeling of protein sequence and biophysical properties (such as structural, functional, and spatial information, amino acid conservation, physicochemical variation, residue mobility, and thermodynamic stability) performed at Invitae indicates that this missense variant is not expected to disrupt TRPC6 protein function with a negative predictive value of 80%. This variant disrupts the p.Pro112 amino acid residue in TRPC6. Other variant(s) that disrupt this residue have been determined to be pathogenic (PMID: 15879175, 19129465, 26892346). This suggests that this residue is clinically significant, and that variants that disrupt this residue are likely to be disease-causing. In summary, the available evidence is currently insufficient to determine the role of this variant in disease. Therefore, it has been classified as a Variant of Uncertain Significance.

Literature cited by the submitters: PubMed 15879175; PubMed 19129465; PubMed 26892346.

NM_004621.6(TRPC6):c.334C>T (p.Pro112Ser)

Gene: TRPC6 (transient receptor potential cation channel subfamily C member 6; minus strand). Cytogenetic location: 11q22.1.
Variant type: single nucleotide variant.
Coding change: c.334C>T on transcript NM_004621.6 (MANE Select); coding-DNA position 334, C replaced by T.
Protein change: p.Pro112Ser; replaces proline 112 with serine.
Molecular consequence: missense variant.
Genome position (GRCh38, 1-based): chr11:101,504,635, G>A on the plus strand (C>T on the coding strand, the complement: TRPC6 is on the minus strand). VCF-style: chr11-101504635-G-A. GRCh37 (hg19) VCF-style: chr11-101375366-G-A.
Other names: short protein forms P112S.
Identifiers: ClinVar variation 2701666 (VCV002701666.3), dbSNP rs2496225660, ClinGen allele CA382451030.